The following is an entry in ClinVar:

NM_152424.4(AMER1):c.71C>T (p.Thr24Ile)

Gene: AMER1 (APC membrane recruitment protein 1; minus strand). Cytogenetic location: Xq11.2.
Variant type: single nucleotide variant.
Coding change: c.71C>T on transcript NM_152424.4 (MANE Select); coding-DNA position 71, C replaced by T.
Protein change: p.Thr24Ile; replaces threonine 24 with isoleucine.
Molecular consequence: missense variant.
Genome position (GRCh38, 1-based): chrX:64,193,216, G>A on the plus strand (C>T on the coding strand, the complement: AMER1 is on the minus strand). VCF-style: chrX-64193216-G-A. GRCh37 (hg19) VCF-style: chrX-63413096-G-A.
Other names: short protein forms T24I.
Identifiers: ClinVar variation 1030261 (VCV001030261.1), dbSNP rs1930297677, ClinGen allele CA413313839.

ClinVar aggregate classification (germline): Uncertain significance (1 of 4 stars; one submission).

Conditions:
Osteopathia striata with cranial sclerosis (OSCS). Also called: HYPEROSTOSIS GENERALISATA WITH STRIATIONS. Identifiers: Orphanet 2780, MedGen C0432268, MONDO:0010310, OMIM 300373.

Submission:

Baylor Genetics
Classification: Uncertain significance for Osteopathia striata with cranial sclerosis. Last evaluated: 2019-08-28. Review status: criteria provided, single submitter. Criteria: ACMG Guidelines, 2015. Collection method: clinical testing. Allele origin: unknown. Affected: yes.
Comment: This variant was determined to be of uncertain significance according to ACMG Guidelines, 2015 [PMID:25741868].